The following is an entry in ClinVar:

NM_014141.6(CNTNAP2):c.1897+18A>G

Gene: CNTNAP2 (contactin associated protein 2; plus strand). Cytogenetic location: 7q35.
Variant type: single nucleotide variant.
Coding change: c.1897+18A>G on transcript NM_014141.6 (MANE Select); 18 bases into the intron after coding-DNA position 1897, A replaced by G.
Molecular consequence: intron variant.
Genome position (GRCh38, 1-based): chr7:147,562,275, A>G. VCF-style: chr7-147562275-A-G. GRCh37 (hg19) VCF-style: chr7-147259367-A-G.
Identifiers: ClinVar variation 136815 (VCV000136815.9), dbSNP rs139242986, ClinGen allele CA290172.
Genomic context (GRCh38, chr7:147,562,275, plus strand): 5'-AGCGGACCTCTGGGGCCTCTGAAAGTTTACTGCAACATGACAGGTAACTGTGTCATATTT[A>G]TGTTTTATGAAGATGCTTTTCTATATGTCACGAATAAGTAGTTCCACCAATGGTTTGTTT-3'

ClinVar aggregate classification (germline): Benign/Likely benign. Review status: criteria provided, multiple submitters, no conflicts (2 of 4 stars). 2 submissions from 2 submitters: Benign (1); Likely benign (1). Last evaluated 2026-01-08.

Conditions:
Cortical dysplasia-focal epilepsy syndrome (PTHSL1). Also called: Pitt-Hopkins-like syndrome 1. Identifiers: Orphanet 163681, Orphanet 221150, MedGen C2750246, MONDO:0012400, OMIM 610042.

Allele frequency attached by ClinVar (database versions not stated): gnomAD exomes 0.00004 and 0.00009; ExAC 0.00006; 1000 Genomes Project 30x 0.00031; gnomAD 0.00036 and 0.00041; TOPMed 0.00037; 1000 Genomes Project 0.00040; ESP Exome Variant Server 0.00046.
gnomAD v4.1: 112 of 1,613,460 alleles (0.0069%); highest among the groups gnomAD compares: African/African-American, 0.11%; no homozygotes.

Submissions (2):

Labcorp Genetics (formerly Invitae), Labcorp
Classification: Likely benign for Cortical dysplasia-focal epilepsy syndrome. Last evaluated: 2026-01-08. Review status: criteria provided, single submitter. Criteria: Invitae Variant Classification Sherloc (09022015). Collection method: clinical testing. Allele origin: germline.

GeneDx
Classification: Benign. Last evaluated: 2013-07-18. Review status: criteria provided, single submitter. Criteria: GeneDx Variant Classification (06012015). Collection method: clinical testing. Allele origin: germline. Affected: yes.
Comment: This variant is considered likely benign or benign based on one or more of the following criteria: it is a conservative change, it occurs at a poorly conserved position in the protein, it is predicted to be benign by multiple in silico algorithms, and/or has population frequency not consistent with disease.